The following is an entry in ClinVar:

ClinVar aggregate classification (germline): Pathogenic (1 of 4 stars; one submission).

Conditions:
Long QT syndrome 2 (LQT2). Identifiers: Orphanet 101016, Orphanet 768, MedGen C3150943, MONDO:0013367, OMIM 613688.

Submission:

Illumina Laboratory Services, Illumina
Classification: Pathogenic for Long QT syndrome 2. Last evaluated: 2023-12-11. Review status: criteria provided, single submitter. Criteria: ICSLVariantClassificationCriteria RUGD 01 April 2020. Collection method: clinical testing. Allele origin: unknown.
Comment: The KCNH2 c.2768dup p.(Pro926AlafsTer14) variant, also known as c.2775insG, causes a shift in the protein reading frame that is predicted to result in premature termination of the protein. Loss of normal protein function through nonsense-mediated mRNA decay is expected. This variant has been identified in individuals with long QT syndrome (PMID: 29739726; 20181576) and has been shown to segregate with disease in at least one family (PMID: 21419236). This variant is not observed at a significant frequency in version 2.1.1 or version 4.0.0 of the Genome Aggregation Database. Based on the available evidence, the c.2768dup p.(Pro926AlafsTer14) variant is classified as pathogenic for long QT syndrome.

Literature cited by the submitters: PubMed 21419236; PubMed 29739726; PubMed 20181576.

NM_000238.4(KCNH2):c.2768dup (p.Pro926fs)

Gene: KCNH2 (potassium voltage-gated channel subfamily H member 2; minus strand). Cytogenetic location: 7q36.1.
Variant type: Duplication.
Coding change: c.2768dup on transcript NM_000238.4 (MANE Select); coding-DNA position 2768, one base duplicated (C; older notation c.2768dupC).
Protein change: p.Pro926fs; shifts the reading frame from proline 926.
Molecular consequence: frameshift variant.
Genome position (GRCh38, 1-based): chr7:150,947,803, G duplicated on the plus strand (C on the coding strand, the reverse complement: KCNH2 is on the minus strand); the first of 2 consecutive G bases (chr7:150,947,803-150,947,804); duplicating either gives the same sequence. VCF-style (leftmost placement, unchanged base first): chr7-150947802-C-CG. GRCh37 (hg19) VCF-style: chr7-150644890-C-CG.
Other names: c.2480dup, p.Pro830fs (NM_001406753.1); c.1748dup, p.Pro586fs (NM_172057.3); short protein forms P586fs, P830fs, P926fs.
Identifiers: ClinVar variation 3775096 (VCV003775096.1).